The following is an entry in ClinVar:

NM_001267550.2(TTN):c.60950G>A (p.Trp20317Ter)

Genes: TTN-AS1 (TTN antisense RNA 1; plus strand), TTN (titin; minus strand). Cytogenetic location: 2q31.2.
Variant type: single nucleotide variant.
Coding change: c.60950G>A on transcript NM_001267550.2 (MANE Select); coding-DNA position 60950, G replaced by A.
Protein change: p.Trp20317Ter; replaces tryptophan 20317 with a stop codon.
Molecular consequence: nonsense.
Genome position (GRCh38, 1-based): chr2:178,590,775, C>T on the plus strand (G>A on the coding strand, the complement: TTN is on the minus strand). VCF-style: chr2-178590775-C-T. GRCh37 (hg19) VCF-style: chr2-179455502-C-T.
Other names: c.56027G>A, p.Trp18676Ter (NM_001256850.1); c.33755G>A, p.Trp11252Ter (NM_003319.4); c.53246G>A, p.Trp17749Ter (NM_133378.4); c.34130G>A, p.Trp11377Ter (NM_133432.3); c.34331G>A, p.Trp11444Ter (NM_133437.4); short protein forms W11377*, W17749*, W11252*, W11444*, W18676*, W20317*.
Identifiers: ClinVar variation 4787123 (VCV004787123.1).

ClinVar aggregate classification (germline): Likely pathogenic (1 of 4 stars; one submission).

Conditions:
Autosomal recessive limb-girdle muscular dystrophy type 2J (LGMDR10). Also called: Limb-girdle muscular dystrophy, type 2J; MUSCULAR DYSTROPHY, LIMB-GIRDLE, AUTOSOMAL RECESSIVE 10. Identifiers: Orphanet 140922, MedGen C1837342, MONDO:0012127, OMIM 608807.
Dilated cardiomyopathy 1G (CMD1G). Identifiers: Orphanet 154, MedGen C1858763, MONDO:0011400, OMIM 604145.

Submission:

Labcorp Genetics (formerly Invitae), Labcorp
Classification: Likely pathogenic for Dilated cardiomyopathy 1G; Autosomal recessive limb-girdle muscular dystrophy type 2J. Last evaluated: 2025-12-24. Review status: criteria provided, single submitter. Criteria: Invitae Variant Classification Sherloc (09022015). Collection method: clinical testing. Allele origin: germline.
Comment: This sequence change creates a premature translational stop signal (p.Trp20317*) in the TTN gene. While this is not anticipated to result in nonsense mediated decay, it is expected to create a truncated TTN protein. This variant is not present in population databases (gnomAD no frequency). This variant has not been reported in the literature in individuals affected with TTN-related conditions. This variant is located in the A band of TTN (PMID: 25589632). Truncating variants in this region are significantly overrepresented in patients affected with dilated cardiomyopathy (PMID: 25589632). Truncating variants in this region have also been reported in individuals affected with autosomal recessive centronuclear myopathy (PMID: 23975875). In summary, the currently available evidence indicates that the variant is pathogenic, but additional data are needed to prove that conclusively. Therefore, this variant has been classified as Likely Pathogenic.

Literature cited by the submitters: PubMed 25589632; PubMed 23975875.